The following is an entry in ClinVar:

NM_000836.4(GRIN2D):c.430G>T (p.Val144Leu)

Genes: GRIN2D (glutamate ionotropic receptor NMDA type subunit 2D; plus strand), LOC130064856 (ATAC-STARR-seq lymphoblastoid silent region 10880; plus strand). Cytogenetic location: 19q13.33.
Variant type: single nucleotide variant.
Coding change: c.430G>T on transcript NM_000836.4 (MANE Select); coding-DNA position 430, G replaced by T.
Protein change: p.Val144Leu; replaces valine 144 with leucine.
Molecular consequence: missense variant.
Genome position (GRCh38, 1-based): chr19:48,398,822, G>T. VCF-style: chr19-48398822-G-T. GRCh37 (hg19) VCF-style: chr19-48902079-G-T.
Other names: short protein forms V144L.
Identifiers: ClinVar variation 1491390 (VCV001491390.6), dbSNP rs1226450349, ClinGen allele CA406689207.
Genomic context (GRCh38, chr19:48,398,822, plus strand): 5'-CCCGCCGTCGCGCCCATCCTCGACTTCCTGTCGGCGCAGACCTCGCTGCCCATCGTGGCC[G>T]TGCACGGCGGCGCCGCGCTCGTGCTCACGCCCAAGGTGCGCGCGACCGGGGCGGGGCGGG-3'
Protein context (NP_000827.2, residues 134-154): SAQTSLPIVA[Val144Leu]HGGAALVLTP

ClinVar aggregate classification (germline): Uncertain significance (1 of 4 stars; one submission).

gnomAD v4.1: 7 of 1,419,698 alleles (0.00049%); highest among the groups gnomAD compares: Non-Finnish European, 0.00064%; no homozygotes.

Submission:

Labcorp Genetics (formerly Invitae), Labcorp
Classification: Uncertain significance. Last evaluated: 2021-12-14. Review status: criteria provided, single submitter. Criteria: Invitae Variant Classification Sherloc (09022015). Collection method: clinical testing. Allele origin: germline.
Comment: This sequence change replaces valine, which is neutral and non-polar, with leucine, which is neutral and non-polar, at codon 144 of the GRIN2D protein (p.Val144Leu). This variant is not present in population databases (gnomAD no frequency). This variant has not been reported in the literature in individuals affected with GRIN2D-related conditions. Advanced modeling of protein sequence and biophysical properties (such as structural, functional, and spatial information, amino acid conservation, physicochemical variation, residue mobility, and thermodynamic stability) performed at Invitae indicates that this missense variant is not expected to disrupt GRIN2D protein function. In summary, the available evidence is currently insufficient to determine the role of this variant in disease. Therefore, it has been classified as a Variant of Uncertain Significance.